The following is an entry in ClinVar:

ClinVar aggregate classification (germline): Uncertain significance. Review status: criteria provided, multiple submitters, no conflicts (2 of 4 stars). 3 submissions from 3 submitters: Uncertain significance (3). Last evaluated 2025-12-14.

Conditions:
Inborn genetic diseases. Identifiers: MedGen C0950123, MeSH D030342.
Muscle AMP deaminase deficiency (MMDD). Also called: Myoadenylate deaminase deficiency, myopathy due to; Adenosine monophosphate deaminase 1 deficiency; AMP deaminase 1 deficiency; Adenosine Monophosphate Deaminase 1; AMPD1 DEFICIENCY; ADENOSINE MONOPHOSPHATE DEAMINASE-1 DEFICIENCY, MYOPATHY DUE TO. Identifiers: Orphanet 45, MedGen C3714933, MONDO:0014220, OMIM 615511.

Allele frequency attached by ClinVar (database versions not stated): gnomAD 0.00001; TOPMed 0.00002.
gnomAD v4.1: 31 of 1,614,028 alleles (0.0019%); highest among the groups gnomAD compares: Middle Eastern, 0.082%; no homozygotes.

Submissions (3):

Labcorp Genetics (formerly Invitae), Labcorp
Classification: Uncertain significance for Muscle AMP deaminase deficiency. Last evaluated: 2025-12-14. Review status: criteria provided, single submitter. Criteria: Invitae Variant Classification Sherloc (09022015). Collection method: clinical testing. Allele origin: germline.
Comment: This sequence change replaces aspartic acid, which is acidic and polar, with asparagine, which is neutral and polar, at codon 75 of the AMPD1 protein (p.Asp75Asn). This variant is present in population databases (rs753932146, gnomAD 0.0009%). This variant has not been reported in the literature in individuals affected with AMPD1-related conditions. ClinVar contains an entry for this variant (Variation ID: 2439018). An algorithm developed to predict the effect of missense changes on protein structure and function (PolyPhen-2) suggests that this variant is likely to be disruptive. In summary, the available evidence is currently insufficient to determine the role of this variant in disease. Therefore, it has been classified as a Variant of Uncertain Significance.

Ambry Genetics
Classification: Uncertain significance for Inborn genetic diseases. Last evaluated: 2025-03-06. Review status: criteria provided, single submitter. Criteria: Ambry Variant Classification Scheme 2023. Collection method: clinical testing. Allele origin: germline.

Revvity Omics, Revvity
Classification: Uncertain significance for Muscle AMP deaminase deficiency. Last evaluated: 2019-06-17. Review status: criteria provided, single submitter. Criteria: ACMG Guidelines, 2015. Collection method: clinical testing. Allele origin: germline.

NM_000036.3(AMPD1):c.124G>A (p.Asp42Asn)

Gene: AMPD1 (adenosine monophosphate deaminase 1; minus strand). Cytogenetic location: 1p13.2.
Variant type: single nucleotide variant.
Coding change: c.124G>A on transcript NM_000036.3 (MANE Select); coding-DNA position 124, G replaced by A.
Protein change: p.Asp42Asn; replaces aspartic acid 42 with asparagine.
Molecular consequence: missense variant.
Genome position (GRCh38, 1-based): chr1:114,688,652, C>T on the plus strand (G>A on the coding strand, the complement: AMPD1 is on the minus strand). VCF-style: chr1-114688652-C-T. GRCh37 (hg19) VCF-style: chr1-115231273-C-T.
Other names: c.112G>A, p.Asp38Asn (NM_001172626.2); short protein forms D38N, D42N.
Identifiers: ClinVar variation 2439018 (VCV002439018.5), dbSNP rs753932146, ClinGen allele CA1020549.
Genomic context (GRCh38, chr1:114,688,652, plus strand): 5'-CCAGATGGAATATGTGTGCTTGCATCTCATGATGAGAAATCGGACAGATCTCATCCACAT[C>T]AAAGGGGGAAATCTCCTGACGACCTCCTTCATCTTTGACTTCAGAGGCAAACACTTTTTC-3'
Protein context (NP_000027.3, residues 32-52): EGGRQEISPF[Asp42Asn]VDEICPISHH